The following is an entry in ClinVar:

NM_003922.4(HERC1):c.12829C>T (p.Arg4277Cys)

Gene: HERC1 (HECT and RLD domain containing E3 ubiquitin protein ligase family member 1; minus strand). Cytogenetic location: 15q22.31.
Variant type: single nucleotide variant.
Coding change: c.12829C>T on transcript NM_003922.4 (MANE Select); coding-DNA position 12829, C replaced by T.
Protein change: p.Arg4277Cys; replaces arginine 4277 with cysteine.
Molecular consequence: missense variant.
Genome position (GRCh38, 1-based): chr15:63,630,603, G>A on the plus strand (C>T on the coding strand, the complement: HERC1 is on the minus strand). VCF-style: chr15-63630603-G-A. GRCh37 (hg19) VCF-style: chr15-63922802-G-A.
Other names: short protein forms R4277C.
Identifiers: ClinVar variation 1439163 (VCV001439163.8), dbSNP rs750593480, ClinGen allele CA7603905.

ClinVar aggregate classification (germline): Uncertain significance (1 of 4 stars; one submission).

Allele frequency attached by ClinVar (database versions not stated): gnomAD exomes below 0.00001; TOPMed below 0.00001; ExAC 0.00001.
gnomAD v4.1: 3 of 1,612,730 alleles (0.00019%); highest among the groups gnomAD compares: Non-Finnish European, 0.00025%; no homozygotes.

Submission:

Labcorp Genetics (formerly Invitae), Labcorp
Classification: Uncertain significance. Last evaluated: 2021-04-09. Review status: criteria provided, single submitter. Criteria: Invitae Variant Classification Sherloc (09022015). Collection method: clinical testing. Allele origin: germline.
Comment: In summary, the available evidence is currently insufficient to determine the role of this variant in disease. Therefore, it has been classified as a Variant of Uncertain Significance. Algorithms developed to predict the effect of missense changes on protein structure and function (SIFT, PolyPhen-2, Align-GVGD) all suggest that this variant is likely to be disruptive, but these predictions have not been confirmed by published functional studies and their clinical significance is uncertain. This variant has not been reported in the literature in individuals with HERC1-related conditions. This variant is present in population databases (rs750593480, ExAC 0.002%). This sequence change replaces arginine with cysteine at codon 4277 of the HERC1 protein (p.Arg4277Cys). The arginine residue is highly conserved and there is a large physicochemical difference between arginine and cysteine.